The following is an entry in ClinVar:

NM_000271.5(NPC1):c.1947+12_1947+13insGGA

Gene: NPC1 (NPC intracellular cholesterol transporter 1; minus strand). Cytogenetic location: 18q11.2.
Variant type: Insertion.
Coding change: c.1947+12_1947+13insGGA on transcript NM_000271.5 (MANE Select); bases 12 to 13 of the intron after coding-DNA position 1947, GGA inserted.
Molecular consequence: intron variant.
Genome position: GRCh38 VCF-style: chr18-23544947-C-CCCT. GRCh37 (hg19) VCF-style: chr18-21124911-C-CCCT.
Other names: c.1947+12_1947+13insAGG (NM_000271.4).
Identifiers: ClinVar variation 1606237 (VCV001606237.10), dbSNP rs1555634658, ClinGen allele CA777725143.

ClinVar aggregate classification (germline): Likely benign. Review status: criteria provided, single submitter (1 of 4 stars). 2 submissions from 2 submitters: Likely benign (1). 1 of the submissions does not count toward it. Last evaluated 2024-02-06.

Conditions:
NPC1-related disorder. Also called: NPC1-related condition.
Niemann-Pick disease, type C1. Also called: NIEMANN-PICK DISEASE, VARIANT TYPE C1; NEUROVISCERAL STORAGE DISEASE WITH VERTICAL SUPRANUCLEAR OPHTHALMOPLEGIA; NIEMANN-PICK DISEASE WITH CHOLESTEROL ESTERIFICATION BLOCK; NIEMANN-PICK DISEASE WITHOUT SPHINGOMYELINASE DEFICIENCY; NIEMANN-PICK DISEASE, CHRONIC NEURONOPATHIC FORM. Identifiers: Orphanet 646, MedGen C3179455, MONDO:0009757, OMIM 257220.

Submissions (2):

Labcorp Genetics (formerly Invitae), Labcorp
Classification: Likely benign for Niemann-Pick disease, type C1. Last evaluated: 2024-02-06. Review status: criteria provided, single submitter. Criteria: Invitae Variant Classification Sherloc (09022015). Collection method: clinical testing. Allele origin: germline.

PreventionGenetics, part of Exact Sciences
Classification: Likely benign for NPC1-related condition. Last evaluated: 2023-05-02. Review status: no assertion criteria provided. Collection method: clinical testing. Allele origin: germline. Not counted in ClinVar's aggregate classification.
Comment: This variant is classified as likely benign based on ACMG/AMP sequence variant interpretation guidelines (Richards et al. 2015 PMID: 25741868, with internal and published modifications).